The following is an entry in ClinVar:

ClinVar aggregate classification (germline): Pathogenic. Review status: reviewed by expert panel (3 of 4 stars). 11 submissions from 10 submitters: Pathogenic (1). 10 of the submissions do not count toward it. Last evaluated 2017-03-17.

Conditions:
CFTR-related disorder (CFTR-RD). Also called: CFTR-related condition; CFTR-related disorders. Identifiers: MedGen C5924204, MONDO:7770004.
Cystic fibrosis (CF). Also called: MUCOVISCIDOSIS. Identifiers: Orphanet 586, MedGen C0010674, MONDO:0009061, OMIM 219700. Disease mechanism: loss of function.
Bronchiectasis with or without elevated sweat chloride 1 (BESC1). Also called: Cystic Fibrosis-Like Syndrome. Identifiers: Orphanet 60033, MedGen C2749757, MONDO:0008887, OMIM 211400.

Submissions (11):

CFTR2
Classification: Pathogenic for Cystic fibrosis. Last evaluated: 2017-03-17. Review status: reviewed by expert panel. Criteria: Sosnay PR et al. (Nat Genet 2013). Collection method: research. Allele origin: germline. Affected: yes. Study: CFTR2.

Labcorp Genetics (formerly Invitae), Labcorp
Classification: Pathogenic for Cystic fibrosis. Last evaluated: 2025-12-22. Review status: criteria provided, single submitter. Criteria: Invitae Variant Classification Sherloc (09022015). Collection method: clinical testing. Allele origin: germline. Not counted in ClinVar's aggregate classification.
Comment: This sequence change falls in intron 22 of the CFTR gene. It does not directly change the encoded amino acid sequence of the CFTR protein. RNA analysis indicates that this variant induces altered splicing and may result in an absent or altered protein product. This variant is not present in population databases (gnomAD no frequency). This variant has been observed in individual(s) with cystic fibrosis or congenital absence of the vas deferens (PMID: 23974870, 28475858). This variant is also known as 3849+40A>G. ClinVar contains an entry for this variant (Variation ID: 53789). Studies have shown that this variant results in activation of a cryptic donor 40 nucleotides downstream of the exon 22 canonical donor, and produces a non-functional protein and/or introduces a premature termination codon (PMID: 28475858). For these reasons, this variant has been classified as Pathogenic.

Ambry Genetics
Classification: Pathogenic for Cystic fibrosis. Last evaluated: 2025-03-31. Review status: criteria provided, single submitter. Criteria: Ambry Variant Classification Scheme 2023. Collection method: clinical testing. Allele origin: germline. Not counted in ClinVar's aggregate classification.
Comment: The c.3717+40A>G intronic pathogenic mutation results from an A to G substitution 40 nucleotides after coding exon 22 in the CFTR gene. This variant was identified in two siblings with elevated sweat chloride levels and p.F508del confirmed in trans; one sibling had asymptomatic diffuse bronchiectasis and pancreatic sufficiency while the second sibling had diffuse bronchiectasis with recurrent bronchopulmonary infections, pancreatic insufficiency, nasal polyps, and recurrent sinusitis (Priou-Guesdon M et al. Ann. Endocrinol. (Paris), 2010 Feb;71:46-50). In one study, reverse transcription PCR (RT-PCR) on nasal epithelial cells from a patient with cystic fibrosis (heterozygous for c.3717+40A>G and p.Phe508del) was performed. Results indicated that this variant results in the retention of the first 40 nucleotides of intron 22. In addition, a minigene expression assay suggests this variant results in leaky splicing, as evidenced by the presence of both fully glycosylated and immature core-glycosylated CFTR protein on Western blot analysis (Lee M et al. Am J Hum Genet, 2017 May;100:751-765). This nucleotide position is well conserved in available vertebrate species. In silico splice site analysis predicts that this alteration will result in the creation or strengthening of a novel splice donor site. Based on the supporting evidence, this alteration is interpreted as a disease-causing mutation.

Baylor Genetics
Classification: Pathogenic for Bronchiectasis with or without elevated sweat chloride 1. Last evaluated: 2024-03-12. Review status: criteria provided, single submitter. Criteria: ACMG Guidelines, 2015. Collection method: clinical testing. Allele origin: unknown. Not counted in ClinVar's aggregate classification.

ARUP Laboratories, Molecular Genetics and Genomics, ARUP Laboratories
Classification: Pathogenic for Cystic fibrosis. Last evaluated: 2024-01-15. Review status: criteria provided, single submitter. Criteria: ARUP Molecular Germline Variant Investigation Process 2024. Collection method: clinical testing. Allele origin: germline. Not counted in ClinVar's aggregate classification.
Comment: The CFTR c.3717+40A>G variant (rs397508595) is reported in the literature in multiple individuals affected with cystic fibrosis and one individual with congenital bilateral absence of the vas deferens (Lee 2017, Steiner 2011, CFTR2 database). The c.3717+40A>G variant is absent from the Genome Aggregation Database, indicating it is not a common polymorphism. This is an intronic variant in a moderately conserved nucleotide, and computational analyses (Alamut v.2.11) predict that this variant may impact splicing by creating a novel cryptic donor splice site. Indeed, functional studies of this variant demonstrate it leads to the inclusion of 40 additional nucleotides, causing a frameshift and decreased mRNA levels (Lee 2017). Based on available information, this variant is considered to be pathogenic. References: CFTR2 database: Lee M et al. Systematic Computational Identification of Variants That Activate Exonic and Intronic Cryptic Splice Sites. Am J Hum Genet. 2017;100(5):751-765. PMID: 28475858. Steiner B et al. Common CFTR haplotypes and susceptibility to chronic pancreatitis and congenital bilateral absence of the vas deferens. Hum Mutat. 2011;32(8):912-920. PMID: 21520337.

Johns Hopkins Genomics, Johns Hopkins University
Classification: Pathogenic for Cystic fibrosis. Last evaluated: 2022-05-05. Review status: criteria provided, single submitter. Criteria: ACMG Guidelines, 2015. Collection method: clinical testing. Allele origin: germline. Not counted in ClinVar's aggregate classification.
Comment: Disease-causing CFTR variant. See CFTR2 for phenotype information.

CFTR-France
Classification: Pathogenic for cystic fibrosis; CFTR-related disorders. Last evaluated: 2021-01-18. Review status: criteria provided, single submitter. Criteria: Claustres M et al. (Hum Mutat 2017). Collection method: curation. Allele origin: germline. Affected: yes. Not counted in ClinVar's aggregate classification.
Comment: when the variant is in trans with another CF-causing variation, can either result in CF or in a CFTR-RD

Baylor Genetics
Classification: Pathogenic for Cystic fibrosis. Last evaluated: 2018-08-23. Review status: criteria provided, single submitter. Criteria: ACMG Guidelines, 2015. Collection method: clinical testing. Allele origin: unknown. Affected: yes. Not counted in ClinVar's aggregate classification.
Comment: This variant was determined to be pathogenic according to ACMG Guidelines, 2015 [PMID:25741868].

Eurofins Ntd Llc (ga)
Classification: Likely pathogenic. Last evaluated: 2017-08-31. Review status: criteria provided, single submitter. Criteria: EGL Classification Definitions 2015. Collection method: clinical testing. Allele origin: germline. Observed: 2 variant alleles, 2 heterozygotes. Not counted in ClinVar's aggregate classification.

Natera, Inc.
Classification: Pathogenic for CFTR-related disorders. Last evaluated: 2019-12-13. Review status: no assertion criteria provided. Collection method: clinical testing. Allele origin: germline. Not counted in ClinVar's aggregate classification.

Counsyl
Classification: Likely pathogenic for Cystic fibrosis. Last evaluated: 2017-10-11. Review status: no assertion criteria provided. Collection method: clinical testing. Allele origin: unknown. Not counted in ClinVar's aggregate classification.

Literature cited by the submitters: PubMed 23974870 (cited by Labcorp Genetics (formerly Invitae), Labcorp); PubMed 28475858 (cited by 3 submitters); PubMed 20031113 (cited by Ambry Genetics and Counsyl).

NM_000492.4(CFTR):c.3717+40A>G

Genes: CFTR (CF transmembrane conductance regulator; plus strand), CFTR-AS2 (CFTR antisense RNA 2; minus strand). Cytogenetic location: 7q31.2.
Variant type: single nucleotide variant.
Coding change: c.3717+40A>G on transcript NM_000492.4 (MANE Select); 40 bases into the intron after coding-DNA position 3717, A replaced by G.
Molecular consequence: intron variant.
Genome position (GRCh38, 1-based): chr7:117,627,810, A>G. VCF-style: chr7-117627810-A-G. GRCh37 (hg19) VCF-style: chr7-117267864-A-G.
Identifiers: ClinVar variation 53789 (VCV000053789.34), dbSNP rs397508595, ClinGen allele CA327255.